The following is an entry in ClinVar:

ClinVar aggregate classification (germline): Uncertain significance. Review status: criteria provided, multiple submitters, no conflicts (2 of 4 stars). 2 submissions from 2 submitters: Uncertain significance (2). Last evaluated 2026-01-28.

Conditions:
Inborn genetic diseases. Identifiers: MedGen C0950123, MeSH D030342.

Allele frequency attached by ClinVar (database versions not stated): gnomAD exomes 0.00002.
gnomAD v4.1: 33 of 1,613,948 alleles (0.002%); highest among the groups gnomAD compares: African/African-American, 0.004%; no homozygotes.

Submissions (2):

Labcorp Genetics (formerly Invitae), Labcorp
Classification: Uncertain significance. Last evaluated: 2026-01-28. Review status: criteria provided, single submitter. Criteria: Invitae Variant Classification Sherloc (09022015). Collection method: clinical testing. Allele origin: germline.
Comment: This sequence change replaces arginine, which is basic and polar, with cysteine, which is neutral and slightly polar, at codon 146 of the NLRP1 protein (p.Arg146Cys). This variant is present in population databases (rs139463149, gnomAD 0.007%). This variant has not been reported in the literature in individuals affected with NLRP1-related conditions. ClinVar contains an entry for this variant (Variation ID: 1442534). An algorithm developed to predict the effect of missense changes on protein structure and function outputs the following: PolyPhen-2: "Benign". The cysteine amino acid residue is found in multiple mammalian species, which suggests that this missense change does not adversely affect protein function. In summary, the available evidence is currently insufficient to determine the role of this variant in disease. Therefore, it has been classified as a Variant of Uncertain Significance.

Ambry Genetics
Classification: Uncertain significance for Inborn genetic diseases. Last evaluated: 2025-06-11. Review status: criteria provided, single submitter. Criteria: Ambry Variant Classification Scheme 2023. Collection method: clinical testing. Allele origin: germline.

NM_033004.4(NLRP1):c.436C>T (p.Arg146Cys)

Gene: NLRP1 (NLR family pyrin domain containing 1; minus strand). Cytogenetic location: 17p13.2.
Variant type: single nucleotide variant.
Coding change: c.436C>T on transcript NM_033004.4 (MANE Select); coding-DNA position 436, C replaced by T.
Protein change: p.Arg146Cys; replaces arginine 146 with cysteine.
Molecular consequence: missense variant.
Genome position (GRCh38, 1-based): chr17:5,582,682, G>A on the plus strand (C>T on the coding strand, the complement: NLRP1 is on the minus strand). VCF-style: chr17-5582682-G-A. GRCh37 (hg19) VCF-style: chr17-5486002-G-A.
Other names: c.436C>T (NM_033004.3); c.436C>T, p.Arg146Cys (NM_001033053.3, NM_014922.5, NM_033006.4 and 1 more transcripts); short protein forms R146C.
Identifiers: ClinVar variation 1442534 (VCV001442534.9), dbSNP rs139463149, ClinGen allele CA8327581.
Genomic context (GRCh38, chr17:5,582,682, plus strand): 5'-GATTCACAGCTCCACCCAGGGCTGTCAGCCTGCCTCAGCAAGCCTCACCTCTCCAGCGGC[G>A]TCCAGATGTGTCAGGCAGCTGTCTCAAAACCCTTCTCTCTGAGCCCTGGGTGCACCCCGC-3'
Protein context (NP_127497.1, residues 136-156): VLRQLPDTSG[Arg146Cys]RWREISASLL